The following is an entry in ClinVar:

ClinVar aggregate classification (germline): Uncertain significance (1 of 4 stars; one submission).

Conditions:
Trichorhinophalangeal dysplasia type I (TRPS1). Also called: TRICHORHINOPHALANGEAL SYNDROME, TYPE I; TRPS I. Identifiers: Orphanet 77258, MedGen C0432233, MONDO:0008596, OMIM 190350.
Trichorhinophalangeal syndrome, type III (TRPS3). Also called: SUGIO-KAJII SYNDROME. Identifiers: Orphanet 77258, MedGen C1860823, OMIM 190351, MONDO:0008597.

Submission:

Labcorp Genetics (formerly Invitae), Labcorp
Classification: Uncertain significance for Trichorhinophalangeal syndrome, type III; Trichorhinophalangeal dysplasia type I. Last evaluated: 2024-09-29. Review status: criteria provided, single submitter. Criteria: Invitae Variant Classification Sherloc (09022015). Collection method: clinical testing. Allele origin: germline.
Comment: This sequence change replaces valine, which is neutral and non-polar, with glycine, which is neutral and non-polar, at codon 860 of the TRPS1 protein (p.Val860Gly). This variant is not present in population databases (gnomAD no frequency). This variant has not been reported in the literature in individuals affected with TRPS1-related conditions. Invitae Evidence Modeling of protein sequence and biophysical properties (such as structural, functional, and spatial information, amino acid conservation, physicochemical variation, residue mobility, and thermodynamic stability) indicates that this missense variant is not expected to disrupt TRPS1 protein function with a negative predictive value of 80%. In summary, the available evidence is currently insufficient to determine the role of this variant in disease. Therefore, it has been classified as a Variant of Uncertain Significance.

NM_014112.5(TRPS1):c.2579T>G (p.Val860Gly)

Gene: TRPS1 (transcriptional repressor GATA binding 1; minus strand). Cytogenetic location: 8q23.3.
Variant type: single nucleotide variant.
Coding change: c.2579T>G on transcript NM_014112.5 (MANE Select); coding-DNA position 2579, T replaced by G.
Protein change: p.Val860Gly; replaces valine 860 with glycine.
Molecular consequence: missense variant.
Genome position (GRCh38, 1-based): chr8:115,587,122, A>C on the plus strand (T>G on the coding strand, the complement: TRPS1 is on the minus strand). VCF-style: chr8-115587122-A-C. GRCh37 (hg19) VCF-style: chr8-116599349-A-C.
Other names: c.2552T>G, p.Val851Gly (NM_001282902.3); c.2558T>G, p.Val853Gly (NM_001282903.3); c.2540T>G, p.Val847Gly (NM_001330599.2); short protein forms V847G, V851G, V853G, V860G.
Identifiers: ClinVar variation 3754097 (VCV003754097.2).